The following is an entry in ClinVar:

NM_017588.3(WDR5):c.8C>T (p.Thr3Met)

Gene: WDR5 (WD repeat domain 5; plus strand). Cytogenetic location: 9q34.2.
Variant type: single nucleotide variant.
Coding change: c.8C>T on transcript NM_017588.3 (MANE Select); coding-DNA position 8, C replaced by T.
Protein change: p.Thr3Met; replaces threonine 3 with methionine.
Molecular consequence: missense variant.
Genome position (GRCh38, 1-based): chr9:134,139,885, C>T. VCF-style: chr9-134139885-C-T. GRCh37 (hg19) VCF-style: chr9-137005007-C-T.
Other names: c.8C>T, p.Thr3Met (NM_001384409.1, NM_001384410.1, NM_001384411.1 and 9 more transcripts); short protein forms T3M.
Identifiers: ClinVar variation 4057023 (VCV004057023.1).
Genomic context (GRCh38, chr9:134,139,885, plus strand): 5'-CTCTGTCACCGGGTCCCTCCACCCTTGTCTCCTGTGCGGCCAGCGTCAGAGCCATGGCGA[C>T]GGAGGAGAAGAAGCCCGAGACCGAGGCCGCCAGAGCACAGCCAACCCCTTCGTCATCCGC-3'
Protein context (NP_060058.1, residues 1-13): MA[Thr3Met]EEKKPETEAA

ClinVar aggregate classification (germline): Uncertain significance (1 of 4 stars; one submission).

gnomAD v4.1: 11 of 1,613,348 alleles (0.00068%); highest among the groups gnomAD compares: Admixed American, 0.0033%; no homozygotes.

Submission:

GeneDx
Classification: Uncertain significance. Last evaluated: 2025-01-06. Review status: criteria provided, single submitter. Criteria: GeneDx Variant Classification Process June 2021. Collection method: clinical testing. Allele origin: germline. Affected: yes.
Comment: In silico analysis indicates that this missense variant does not alter protein structure/function; Has not been previously published as pathogenic or benign to our knowledge